The following is an entry in ClinVar:

NM_001042492.3(NF1):c.7950T>G (p.Phe2650Leu)

Gene: NF1 (neurofibromin 1; plus strand). Cytogenetic location: 17q11.2.
Variant type: single nucleotide variant.
Coding change: c.7950T>G on transcript NM_001042492.3 (MANE Select); coding-DNA position 7950, T replaced by G.
Protein change: p.Phe2650Leu; replaces phenylalanine 2650 with leucine.
Molecular consequence: missense variant.
Genome position (GRCh38, 1-based): chr17:31,357,349, T>G. VCF-style: chr17-31357349-T-G. GRCh37 (hg19) VCF-style: chr17-29684367-T-G.
Other names: c.7887T>G, p.Phe2629Leu (NM_000267.4); short protein forms F2629L, F2650L.
Identifiers: ClinVar variation 3237962 (VCV003237962.1), dbSNP rs1597866963.

ClinVar aggregate classification (germline): Uncertain significance (1 of 4 stars; one submission).

Conditions:
Hereditary cancer-predisposing syndrome. Also called: Neoplastic Syndromes, Hereditary; Tumor predisposition; Hereditary neoplastic syndrome; Hereditary Cancer Syndrome. Identifiers: Orphanet 140162, MedGen C0027672, MeSH D009386, MONDO:0015356.
Cardiovascular phenotype. Identifiers: MedGen CN230736.

Submission:

Ambry Genetics
Classification: Uncertain significance for Cardiovascular phenotype; Hereditary cancer-predisposing syndrome. Last evaluated: 2023-12-21. Review status: criteria provided, single submitter. Criteria: Ambry Variant Classification Scheme 2023. Collection method: clinical testing. Allele origin: germline.
Comment: The p.F2629L variant (also known as c.7887T>G), located in coding exon 53 of the NF1 gene, results from a T to G substitution at nucleotide position 7887. The phenylalanine at codon 2629 is replaced by leucine, an amino acid with highly similar properties. This amino acid position is conserved. In addition, the in silico prediction for this alteration is inconclusive. Since supporting evidence is limited at this time, the clinical significance of this alteration remains unclear.